The following is an entry in ClinVar:

NM_000256.3(MYBPC3):c.3704T>C (p.Val1235Ala)

Gene: MYBPC3 (myosin binding protein C3; minus strand). Cytogenetic location: 11p11.2.
Variant type: single nucleotide variant.
Coding change: c.3704T>C on transcript NM_000256.3 (MANE Select); coding-DNA position 3704, T replaced by C.
Protein change: p.Val1235Ala; replaces valine 1235 with alanine.
Molecular consequence: missense variant.
Genome position (GRCh38, 1-based): chr11:47,332,182, A>G on the plus strand (T>C on the coding strand, the complement: MYBPC3 is on the minus strand). VCF-style: chr11-47332182-A-G. GRCh37 (hg19) VCF-style: chr11-47353733-A-G.
Other names: short protein forms V1235A.
Identifiers: ClinVar variation 1419501 (VCV001419501.8), dbSNP rs2095877788, ClinGen allele CA380311262.

ClinVar aggregate classification (germline): Uncertain significance (1 of 4 stars; one submission).

Conditions:
Hypertrophic cardiomyopathy. Also called: HYPERTROPHIC MYOCARDIOPATHY. Identifiers: Orphanet 217569, MedGen C0007194, MeSH D002312, MONDO:0005045, HP:0001639.

Allele frequency attached by ClinVar (database versions not stated): gnomAD 0.00001.
gnomAD v4.1: 1 of 1,613,456 alleles (0.000062%); highest among the groups gnomAD compares: Non-Finnish European, 0.000085%; no homozygotes.

Submission:

Labcorp Genetics (formerly Invitae), Labcorp
Classification: Uncertain significance for Hypertrophic cardiomyopathy. Last evaluated: 2021-07-04. Review status: criteria provided, single submitter. Criteria: Invitae Variant Classification Sherloc (09022015). Collection method: clinical testing. Allele origin: germline.
Comment: In summary, the available evidence is currently insufficient to determine the role of this variant in disease. Therefore, it has been classified as a Variant of Uncertain Significance. This sequence change replaces valine with alanine at codon 1235 of the MYBPC3 protein (p.Val1235Ala). The valine residue is highly conserved and there is a small physicochemical difference between valine and alanine. This variant is not present in population databases (ExAC no frequency). This variant has not been reported in the literature in individuals affected with MYBPC3-related conditions. Algorithms developed to predict the effect of missense changes on protein structure and function (SIFT, PolyPhen-2, Align-GVGD) all suggest that this variant is likely to be disruptive.